The following is an entry in ClinVar:

NM_138773.4(SLC25A46):c.1137G>T (p.Glu379Asp)

Gene: SLC25A46 (solute carrier family 25 member 46; plus strand). Cytogenetic location: 5q22.1.
Variant type: single nucleotide variant.
Coding change: c.1137G>T on transcript NM_138773.4 (MANE Select); coding-DNA position 1137, G replaced by T.
Protein change: p.Glu379Asp; replaces glutamic acid 379 with aspartic acid.
Molecular consequence: missense variant. On other transcripts: non-coding transcript variant (1).
Genome position (GRCh38, 1-based): chr5:110,761,662, G>T. VCF-style: chr5-110761662-G-T. GRCh37 (hg19) VCF-style: chr5-110097362-G-T.
Other names: p.Glu379Asp; c.894G>T, p.Glu298Asp (NM_001303249.3); c.864G>T, p.Glu288Asp (NM_001303250.3); short protein forms E379D, E298D, E288D.
Identifiers: ClinVar variation 475788 (VCV000475788.17), dbSNP rs79149180, ClinGen allele CA3364814.

ClinVar aggregate classification (germline): Benign. Review status: criteria provided, multiple submitters, no conflicts (2 of 4 stars). 3 submissions from 3 submitters: Benign (3). Last evaluated 2026-02-03.

Conditions:
Neuropathy, hereditary motor and sensory, type 6B (HMSN6B). Also called: HMSN VIB; CHARCOT-MARIE-TOOTH DISEASE, TYPE 6B; Neuropathy, hereditary motor and sensory, type VIB; NEUROPATHY, HEREDITARY MOTOR AND SENSORY, TYPE VIB, WITH OPTIC ATROPHY. Identifiers: MedGen C4225302, MONDO:0014671, OMIM 616505.

Allele frequency attached by ClinVar (database versions not stated): gnomAD exomes 0.00837; ExAC 0.00983; gnomAD 0.03322; 1000 Genomes Project 0.03375; 1000 Genomes Project 30x 0.03638; TOPMed 0.03800; ESP Exome Variant Server 0.03807.
gnomAD v4.1: 9,726 of 1,613,480 alleles (0.6%); highest among the groups gnomAD compares: African/African-American, 11%; 508 homozygotes.

Submissions (3):

Labcorp Genetics (formerly Invitae), Labcorp
Classification: Benign for Neuropathy, hereditary motor and sensory, type 6B. Last evaluated: 2026-02-03. Review status: criteria provided, single submitter. Criteria: Invitae Variant Classification Sherloc (09022015). Collection method: clinical testing. Allele origin: germline.

Mayo Clinic Laboratories, Mayo Clinic
Classification: Benign. Last evaluated: 2022-11-25. Review status: criteria provided, single submitter. Criteria: ACMG Guidelines, 2015. Collection method: clinical testing. Allele origin: germline. Observed: 50 variant alleles.

GeneDx
Classification: Benign. Last evaluated: 2018-06-16. Review status: criteria provided, single submitter. Criteria: GeneDx Variant Classification (06012015). Collection method: clinical testing. Allele origin: germline. Affected: yes.
Comment: This variant is considered likely benign or benign based on one or more of the following criteria: it is a conservative change, it occurs at a poorly conserved position in the protein, it is predicted to be benign by multiple in silico algorithms, and/or has population frequency not consistent with disease.